The following is an entry in ClinVar:

ClinVar aggregate classification (germline): Uncertain significance (1 of 4 stars; one submission).

Conditions:
Hereditary cancer-predisposing syndrome. Also called: Tumor predisposition; Neoplastic Syndromes, Hereditary; Hereditary neoplastic syndrome; Hereditary Cancer Syndrome. Identifiers: Orphanet 140162, MedGen C0027672, MeSH D009386, MONDO:0015356.

Submission:

Ambry Genetics
Classification: Uncertain significance for Hereditary cancer-predisposing syndrome. Last evaluated: 2025-08-27. Review status: criteria provided, single submitter. Criteria: Ambry Variant Classification Scheme 2023. Collection method: clinical testing. Allele origin: germline.
Comment: The p.K509Q variant (also known as c.1525A>C), located in coding exon 16 of the MUTYH gene, results from an A to C substitution at nucleotide position 1525. The lysine at codon 509 is replaced by glutamine, an amino acid with similar properties. This amino acid position is conserved. In addition, this alteration is predicted to be tolerated by in silico analysis. Based on the available evidence, the clinical significance of this variant remains unclear.

NM_001048174.2(MUTYH):c.1441A>C (p.Lys481Gln)

Gene: MUTYH (mutY DNA glycosylase; minus strand). Cytogenetic location: 1p34.1.
Variant type: single nucleotide variant.
Coding change: c.1441A>C on transcript NM_001048174.2 (MANE Select); coding-DNA position 1441, A replaced by C.
Protein change: p.Lys481Gln; replaces lysine 481 with glutamine.
Molecular consequence: missense variant. On other transcripts: non-coding transcript variant (7).
Genome position (GRCh38, 1-based): chr1:45,329,431, T>G on the plus strand (A>C on the coding strand, the complement: MUTYH is on the minus strand). VCF-style: chr1-45329431-T-G. GRCh37 (hg19) VCF-style: chr1-45795103-T-G.
Other names: c.1474A>C, p.Lys492Gln (NM_001293191.2, NM_001407069.1, NM_001407077.1); c.1165A>C, p.Lys389Gln (NM_001293192.2, NM_001293196.2, NM_001407091.1); c.1441A>C, p.Lys481Gln (NM_001293195.2, NM_001407070.1, NM_001407088.1 and 6 more transcripts); c.1096A>C, p.Lys366Gln (NM_001350650.2, NM_001350651.2, NM_001407082.1); c.1444A>C, p.Lys482Gln (NM_001407071.1, NM_001407086.1, NM_001048172.2 and 1 more transcripts); c.1483A>C, p.Lys495Gln (NM_001407085.1, NM_001407083.1); c.1462A>C, p.Lys488Gln (NM_001407087.1); c.1516A>C, p.Lys506Gln (NM_012222.3); and 5 more; short protein forms K453Q, K488Q, K492Q, K467Q, K506Q, K509Q, K468Q, K366Q.
Identifiers: ClinVar variation 4113325 (VCV004113325.1).